The following is an entry in ClinVar:

ClinVar aggregate classification (germline): Uncertain significance (1 of 4 stars; one submission).

Conditions:
Retinitis pigmentosa 20 (RP20). Identifiers: Orphanet 791, MedGen C3151086, MONDO:0013425, OMIM 613794.
Leber congenital amaurosis 2 (LCA2). Also called: AMAUROSIS CONGENITA OF LEBER II; Autosomal Recessive RPE65-Related Retinal Degeneration. Identifiers: Orphanet 65, MedGen C1859844, MONDO:0008765, OMIM 204100. Disease mechanism: loss of function.

gnomAD v4.1: 1 of 1,614,112 alleles (0.000062%); no homozygotes.

Submission:

Labcorp Genetics (formerly Invitae), Labcorp
Classification: Uncertain significance for Leber congenital amaurosis 2; Retinitis pigmentosa 20. Last evaluated: 2024-02-02. Review status: criteria provided, single submitter. Criteria: Invitae Variant Classification Sherloc (09022015). Collection method: clinical testing. Allele origin: germline.
Comment: This sequence change replaces asparagine, which is neutral and polar, with aspartic acid, which is acidic and polar, at codon 302 of the RPE65 protein (p.Asn302Asp). This variant is present in population databases (no rsID available, gnomAD 0.003%). This variant has not been reported in the literature in individuals affected with RPE65-related conditions. Advanced modeling of protein sequence and biophysical properties (such as structural, functional, and spatial information, amino acid conservation, physicochemical variation, residue mobility, and thermodynamic stability) performed at Invitae indicates that this missense variant is not expected to disrupt RPE65 protein function with a negative predictive value of 80%. In summary, the available evidence is currently insufficient to determine the role of this variant in disease. Therefore, it has been classified as a Variant of Uncertain Significance.

NM_000329.3(RPE65):c.904A>G (p.Asn302Asp)

Gene: RPE65 (retinoid isomerohydrolase RPE65; minus strand). Cytogenetic location: 1p31.3.
Variant type: single nucleotide variant.
Coding change: c.904A>G on transcript NM_000329.3 (MANE Select); coding-DNA position 904, A replaced by G.
Protein change: p.Asn302Asp; replaces asparagine 302 with aspartic acid.
Molecular consequence: missense variant.
Genome position (GRCh38, 1-based): chr1:68,439,036, T>C on the plus strand (A>G on the coding strand, the complement: RPE65 is on the minus strand). VCF-style: chr1-68439036-T-C. GRCh37 (hg19) VCF-style: chr1-68904719-T-C.
Other names: c.796A>G, p.Asn266Asp (NM_001406853.1); c.628A>G, p.Asn210Asp (NM_001406856.1, NM_001406857.1); c.904A>G, p.Asn302Asp (NM_001406859.1); short protein forms N210D, N266D, N302D.
Identifiers: ClinVar variation 3754375 (VCV003754375.2).
Genomic context (GRCh38, chr1:68,439,036, plus strand): 5'-CATTGTCTTCATAGGTGTTGATGTGATGGAAGAGGTTGAAAGGAGAAGTTCTGTATTTAT[T>C]ATTGAGGTACTTTTTCCTTTTTTTGTCAGCAATATGAAGCCAAACCTTGAAAAATGAGGA-3'
Protein context (NP_000320.1, residues 292-312): ADKKRKKYLN[Asn302Asp]KYRTSPFNLF